The following is an entry in ClinVar:

ClinVar aggregate classification (germline): Pathogenic. Review status: criteria provided, multiple submitters, no conflicts (2 of 4 stars). 4 submissions from 4 submitters: Pathogenic (3). 1 of the submissions does not count toward it. Last evaluated 2024-03-25.

Conditions:
Deficiency of steroid 11-beta-monooxygenase (CYP11B1). Also called: 11-BETA-HYDROXYLASE DEFICIENCY; ADRENAL HYPERPLASIA, CONGENITAL, DUE TO STEROID 11-BETA-HYDROXYLASE DEFICIENCY; P450C11B1 DEFICIENCY; STEROID 11-BETA-HYDROXYLASE DEFICIENCY; ADRENAL HYPERPLASIA IV; Congenital adrenal hyperplasia due to 11-beta-hydroxylase deficiency. Identifiers: Orphanet 90795, MedGen C0268292, MONDO:0008729, OMIM 202010. Disease mechanism: loss of function.
Glucocorticoid-remediable aldosteronism. Also called: ACTH-DEPENDENT HYPERALDOSTERONISM SYNDROME; ALDOSTERONISM, SENSITIVE TO DEXAMETHASONE; FH I; GLUCOCORTICOID-SUPPRESSIBLE HYPERALDOSTERONISM; Hyperaldosteronism, familial, type I. Identifiers: Orphanet 403, MedGen C3838731, MONDO:0007080, OMIM 103900.

Submissions (4):

Baylor Genetics
Classification: Pathogenic for Deficiency of steroid 11-beta-monooxygenase. Last evaluated: 2024-03-25. Review status: criteria provided, single submitter. Criteria: ACMG Guidelines, 2015. Collection method: clinical testing. Allele origin: unknown.

Fulgent Genetics
Classification: Pathogenic for Glucocorticoid-remediable aldosteronism; Deficiency of steroid 11-beta-monooxygenase. Last evaluated: 2024-02-13. Review status: criteria provided, single submitter. Criteria: ACMG Guidelines, 2015. Collection method: clinical testing. Allele origin: germline.

Labcorp Genetics (formerly Invitae), Labcorp
Classification: Pathogenic. Last evaluated: 2023-09-14. Review status: criteria provided, single submitter. Criteria: Invitae Variant Classification Sherloc (09022015). Collection method: clinical testing. Allele origin: germline.
Comment: This sequence change creates a premature translational stop signal (p.Leu106Profs*18) in the CYP11B1 gene. It is expected to result in an absent or disrupted protein product. Loss-of-function variants in CYP11B1 are known to be pathogenic (PMID: 8506298, 26476331). This variant is present in population databases (rs764418169, gnomAD 0.002%). This premature translational stop signal has been observed in individual(s) with congenital adrenal hyperplasia (PMID: 28228528). ClinVar contains an entry for this variant (Variation ID: 551876). For these reasons, this variant has been classified as Pathogenic.

Counsyl
Classification: Pathogenic for Deficiency of steroid 11-beta-monooxygenase. Last evaluated: 2017-05-10. Review status: no assertion criteria provided. Collection method: clinical testing. Allele origin: unknown. Not counted in ClinVar's aggregate classification.

Literature cited by the submitters: PubMed 8506298 (cited by Labcorp Genetics (formerly Invitae), Labcorp); PubMed 26476331 (cited by Labcorp Genetics (formerly Invitae), Labcorp); PubMed 28228528 (cited by Labcorp Genetics (formerly Invitae), Labcorp and Counsyl); PubMed 8768848 (cited by Counsyl).

NM_000497.4(CYP11B1):c.317_344del (p.Leu106fs)

Gene: CYP11B1 (cytochrome P450 family 11 subfamily B member 1; minus strand). Cytogenetic location: 8q24.3.
Variant type: Deletion.
Coding change: c.317_344del on transcript NM_000497.4 (MANE Select); coding-DNA positions 317 to 344, 28 bases deleted (TGCATCCCCACAGGATGAGCCTGGAGCC).
Protein change: p.Leu106fs; shifts the reading frame from leucine 106.
Molecular consequence: frameshift variant.
Genome position (GRCh38, 1-based): chr8:142,879,083-142,879,110, GGCTCCAGGCTCATCCTGTGGGGATGCA deleted on the plus strand (TGCATCCCCACAGGATGAGCCTGGAGCC on the coding strand, the reverse complement: CYP11B1 is on the minus strand); deleting any 28 consecutive bases within chr8:142,879,083-142,879,114 gives the same sequence; the c. name uses the placement nearest the transcript's 3' end. VCF-style (leftmost placement, unchanged base first): chr8-142879082-GGGCTCCAGGCTCATCCTGTGGGGATGCA-G. GRCh37 (hg19) VCF-style: chr8-143960498-GGGCTCCAGGCTCATCCTGTGGGGATGCA-G.
Other names: c.317_344del, p.Leu106fs (NM_001026213.1); c.317_344del28 (NM_000497.3); short protein forms L106fs.
Identifiers: ClinVar variation 551876 (VCV000551876.13), dbSNP rs764418169, ClinGen allele CA4905552.